The following is an entry in ClinVar:

NM_001348716.2(KDM6B):c.3367G>A (p.Val1123Met)

Gene: KDM6B (lysine demethylase 6B; plus strand). Cytogenetic location: 17p13.1.
Variant type: single nucleotide variant.
Coding change: c.3367G>A on transcript NM_001348716.2 (MANE Select); coding-DNA position 3367, G replaced by A.
Protein change: p.Val1123Met; replaces valine 1123 with methionine.
Molecular consequence: missense variant.
Genome position (GRCh38, 1-based): chr17:7,849,655, G>A. VCF-style: chr17-7849655-G-A. GRCh37 (hg19) VCF-style: chr17-7752973-G-A.
Other names: c.3367G>A, p.Val1123Met (NM_001080424.2); short protein forms V1123M.
Identifiers: ClinVar variation 2227996 (VCV002227996.2), dbSNP rs1408531291, ClinGen allele CA397923724.

ClinVar aggregate classification (germline): Uncertain significance (1 of 4 stars; one submission).

Conditions:
Inborn genetic diseases. Identifiers: MedGen C0950123, MeSH D030342.

Allele frequency attached by ClinVar (database versions not stated): gnomAD exomes below 0.00001.
gnomAD v4.1: 2 of 1,611,004 alleles (0.00012%); highest among the groups gnomAD compares: Non-Finnish European, 0.00017%; no homozygotes.

Submission:

Ambry Genetics
Classification: Uncertain significance for Inborn genetic diseases. Last evaluated: 2020-11-19. Review status: criteria provided, single submitter. Criteria: Ambry Variant Classification Scheme 2023. Collection method: clinical testing. Allele origin: germline.
Comment: The c.3367G>A (p.V1123M) alteration is located in exon 11 (coding exon 8) of the KDM6B gene. This alteration results from a G to A substitution at nucleotide position 3367, causing the valine (V) at amino acid position 1123 to be replaced by a methionine (M). The p.V1123M alteration is predicted to be tolerated by in silico analysis. Based on insufficient or conflicting evidence, the clinical significance of this alteration remains unclear.